The following is an entry in ClinVar:

ClinVar aggregate classification (germline): Pathogenic. Review status: no assertion criteria provided (0 of 4 stars). 2 submissions from 2 submitters: Pathogenic (2). Last evaluated 2019-05-13.

Conditions:
Familial cancer of breast. Also called: BREAST CANCER, FAMILIAL; Hereditary breast cancer; hereditary breast carcinoma. Identifiers: Orphanet 227535, MedGen C0346153, MONDO:0016419, OMIM 114480. Disease mechanism: loss of function.

Submissions (2):

Leiden Open Variation Database
Classification: Pathogenic for Familial cancer of breast. Last evaluated: 2019-05-13. Review status: no assertion criteria provided. Collection method: curation. Allele origin: germline. Affected: yes.
Comment: Curators: Marc Tischkowitz, Arleen D. Auerbach. Submitter to LOVD: Marc Tischkowitz.

SNPedia
Classification: Pathogenic. Review status: no assertion criteria provided. Collection method: not provided. Allele origin: germline.
ClinVar note: Converted during submission from pathogenic to Pathogenic.

Literature cited by the submitters: PubMed 25099575 (cited by Leiden Open Variation Database).

NM_024675.4(PALB2):c.3497_3498del (p.Gly1166fs)

Gene: PALB2 (partner and localizer of BRCA2; minus strand). Cytogenetic location: 16p12.2.
Variant type: Deletion.
Coding change: c.3497_3498del on transcript NM_024675.4 (MANE Select); coding-DNA positions 3497 to 3498, 2 bases deleted (GT; older notation c.3497_3498delGT).
Protein change: p.Gly1166fs; shifts the reading frame from glycine 1166.
Molecular consequence: frameshift variant.
Genome position (GRCh38, 1-based): chr16:23,603,522-23,603,523, AC deleted on the plus strand (GT on the coding strand, the reverse complement: PALB2 is on the minus strand). VCF-style (leftmost placement, unchanged base first): chr16-23603521-TAC-T. GRCh37 (hg19) VCF-style: chr16-23614842-TAC-T.
Other names: short protein forms G1166fs.
Identifiers: ClinVar variation 143975 (VCV000143975.4), dbSNP rs587776427, ClinGen allele CA294564.